The following is an entry in ClinVar:

NM_016030.6(TRAPPC12):c.*5C>T

Genes: TRAPPC12 (trafficking protein particle complex subunit 12; plus strand), TRAPPC12-AS1 (TRAPPC12 antisense RNA 1; minus strand). Cytogenetic location: 2p25.3.
Variant type: single nucleotide variant.
Coding change: c.*5C>T on transcript NM_016030.6 (MANE Select); 5 bases downstream of the stop codon, C replaced by T.
Molecular consequence: 3 prime UTR variant. On other transcripts: non-coding transcript variant (1).
Genome position (GRCh38, 1-based): chr2:3,479,466, C>T. VCF-style: chr2-3479466-C-T. GRCh37 (hg19) VCF-style: chr2-3483237-C-T.
Other names: c.*5C>T (NM_001321102.2).
Identifiers: ClinVar variation 3351747 (VCV003351747.1).

ClinVar aggregate classification (germline): Likely benign (0 of 4 stars; one submission).

Conditions:
TRAPPC12-related disorder. Also called: TRAPPC12-related condition.

gnomAD v4.1: 128 of 1,613,324 alleles (0.0079%); highest among the groups gnomAD compares: Non-Finnish European, 0.01%; no homozygotes.

Submission:

PreventionGenetics, part of Exact Sciences
Classification: Likely benign for TRAPPC12-related condition. Last evaluated: 2024-06-08. Review status: no assertion criteria provided. Collection method: clinical testing. Allele origin: germline.
Comment: This variant is classified as likely benign based on ACMG/AMP sequence variant interpretation guidelines (Richards et al. 2015 PMID: 25741868, with internal and published modifications).